The following is an entry in ClinVar:

ClinVar aggregate classification (germline): Uncertain significance (1 of 4 stars; one submission).

gnomAD v4.1: 1 of 1,597,604 alleles (0.000063%); highest among the groups gnomAD compares: South Asian, 0.0012%; no homozygotes.

Submission:

GeneDx
Classification: Uncertain significance. Last evaluated: 2023-07-23. Review status: criteria provided, single submitter. Criteria: GeneDx Variant Classification Process June 2021. Collection method: clinical testing. Allele origin: germline. Affected: yes.
Comment: Not observed at significant frequency in large population cohorts (gnomAD); In silico analysis supports that this missense variant has a deleterious effect on protein structure/function; Has not been previously published as pathogenic or benign to our knowledge

NM_016628.5(WAC):c.1808C>T (p.Thr603Ile)

Gene: WAC (WW domain containing adaptor with coiled-coil; plus strand). Cytogenetic location: 10p12.1.
Variant type: single nucleotide variant.
Coding change: c.1808C>T on transcript NM_016628.5 (MANE Select); coding-DNA position 1808, C replaced by T.
Protein change: p.Thr603Ile; replaces threonine 603 with isoleucine.
Molecular consequence: missense variant.
Genome position (GRCh38, 1-based): chr10:28,617,718, C>T. VCF-style: chr10-28617718-C-T. GRCh37 (hg19) VCF-style: chr10-28906647-C-T.
Other names: c.1673C>T, p.Thr558Ile (NM_100264.3); c.1499C>T, p.Thr500Ile (NM_100486.4); short protein forms T500I, T558I, T603I.
Identifiers: ClinVar variation 3361376 (VCV003361376.1).
Genomic context (GRCh38, chr10:28,617,718, plus strand): 5'-CATCAAGATTACGCGAAGAAGCGCATAACATGGGAACTATTCACATGTCCGAAATTTGTA[C>T]TGAATTAAAAAATTTAAGATCTTTAGTCCGAGTATGTGAAATTCAAGCAACTTTGCGAGA-3'
Protein context (NP_057712.2, residues 593-613): MGTIHMSEIC[Thr603Ile]ELKNLRSLVR